The following is an entry in ClinVar:

ClinVar aggregate classification (germline): Uncertain significance (1 of 4 stars; one submission).

Submission:

Labcorp Genetics (formerly Invitae), Labcorp
Classification: Uncertain significance. Last evaluated: 2024-11-11. Review status: criteria provided, single submitter. Criteria: Invitae Variant Classification Sherloc (09022015). Collection method: clinical testing. Allele origin: germline.
Comment: This sequence change replaces lysine, which is basic and polar, with threonine, which is neutral and polar, at codon 1030 of the JAK2 protein (p.Lys1030Thr). This variant is not present in population databases (gnomAD no frequency). This variant has not been reported in the literature in individuals affected with JAK2-related conditions. Invitae Evidence Modeling of protein sequence and biophysical properties (such as structural, functional, and spatial information, amino acid conservation, physicochemical variation, residue mobility, and thermodynamic stability) indicates that this missense variant is not expected to disrupt JAK2 protein function with a negative predictive value of 80%. In summary, the available evidence is currently insufficient to determine the role of this variant in disease. Therefore, it has been classified as a Variant of Uncertain Significance.

NM_004972.4(JAK2):c.3089A>C (p.Lys1030Thr)

Genes: INSL6 (insulin like 6; minus strand), JAK2 (Janus kinase 2; plus strand). Cytogenetic location: 9p24.1.
Variant type: single nucleotide variant.
Coding change: c.3089A>C on transcript NM_004972.4 (MANE Select); coding-DNA position 3089, A replaced by C.
Protein change: p.Lys1030Thr; replaces lysine 1030 with threonine.
Molecular consequence: missense variant. On other transcripts: non-coding transcript variant (2).
Genome position (GRCh38, 1-based): chr9:5,123,033, A>C. VCF-style: chr9-5123033-A-C. GRCh37 (hg19) VCF-style: chr9-5123033-A-C.
Other names: c.3089A>C, p.Lys1030Thr (NM_001322194.2, NM_001322195.2, NM_001322196.2); c.1874A>C, p.Lys625Thr (NM_001322198.2, NM_001322199.2); c.2642A>C, p.Lys881Thr (NM_001322204.2); short protein forms K625T, K1030T, K881T.
Identifiers: ClinVar variation 3699844 (VCV003699844.2).